The following is an entry in ClinVar:

NM_000202.8(IDS):c.780_793del (p.Val262fs)

Genes: IDS (iduronate 2-sulfatase; minus strand), LOC106050102 (IDS recombination region; plus strand). Cytogenetic location: Xq28.
Variant type: Deletion.
Coding change: c.780_793del on transcript NM_000202.8 (MANE Select); coding-DNA positions 780 to 793, 14 bases deleted (CCCTGTGGCCTACA).
Protein change: p.Val262fs; shifts the reading frame from valine 262.
Molecular consequence: frameshift variant. On other transcripts: non-coding transcript variant (1).
Genome position (GRCh38, 1-based): chrX:149,496,432-149,496,445, TGTAGGCCACAGGG deleted on the plus strand (CCCTGTGGCCTACA on the coding strand, the reverse complement: IDS is on the minus strand). VCF-style (leftmost placement, unchanged base first): chrX-149496431-TTGTAGGCCACAGGG-T. GRCh37 (hg19) VCF-style: chrX-148577962-TTGTAGGCCACAGGG-T.
Other names: c.510_523del, p.Val172fs (NM_001166550.4); c.780_793del, p.Val262fs (NM_006123.5); short protein forms V172fs, V262fs.
Identifiers: ClinVar variation 3255837 (VCV003255837.2).
Genomic context (GRCh38, chrX:149,496,431, plus strand): 5'-TACGGCACACTGATGTTTAAGGCTTGGACGTCTTCCCGTTGCCTGATGTCCATCCAGGGG[TTGTAGGCCACAGGG>T]GGTAGGCCATCAGGGACCTCGGGATCGGGGGCCAGGGTGATGTTCTCCAAGGGATACAAC-3'

ClinVar aggregate classification (germline): Pathogenic (1 of 4 stars; one submission).

Conditions:
Mucopolysaccharidosis, MPS-II (MPS2). Also called: Hunter Syndrome; IDURONATE 2-SULFATASE DEFICIENCY; Mucopolysaccharidosis Type II; Mucopolysaccharidosis type 2; Attenuated MPS (subtype; formerly known as mild MPS II); Severe MPS II. Identifiers: Orphanet 580, Orphanet 79388, MedGen C0026705, MONDO:0010674, OMIM 309900.

Submission:

Laboratory of Diagnosis and Therapy of Lysosomal Disorders, University of Padova
Classification: Pathogenic for Mucopolysaccharidosis, MPS-II. Last evaluated: 2024-06-07. Review status: criteria provided, single submitter. Criteria: ACMG Guidelines, 2015. Collection method: literature only. Allele origin: germline. Affected: yes. Observed: 1 variant allele.
Comment: Null variant (PVS1_VeryStrong), Absent from controls (or at low frequency) in gnomAD database (PM2_Moderate), Patient’s phenotype or family history highly specific for the disease (PP4_Strong)

Classification method: ACMG Guidelines [PMID:25741868] with modifications

Literature cited by the submitters: PubMed 30639582.